The following is an entry in ClinVar:

NM_003073.5(SMARCB1):c.79A>C (p.Met27Leu)

Gene: SMARCB1 (SWI/SNF related BAF chromatin remodeling complex subunit B1; plus strand). Cytogenetic location: 22q11.23.
Variant type: single nucleotide variant.
Coding change: c.79A>C on transcript NM_003073.5 (MANE Select); coding-DNA position 79, A replaced by C.
Protein change: p.Met27Leu; replaces methionine 27 with leucine.
Molecular consequence: missense variant.
Genome position (GRCh38, 1-based): chr22:23,787,248, A>C. VCF-style: chr22-23787248-A-C. GRCh37 (hg19) VCF-style: chr22-24129435-A-C.
Other names: c.79A>C, p.Met27Leu (NM_001007468.3, NM_001317946.2, NM_001362877.2); c.79A>C (LRG_520t1); short protein forms M27L.
Identifiers: ClinVar variation 464339 (VCV000464339.17), dbSNP rs762676176, ClinGen allele CA10145822.

ClinVar aggregate classification (germline): Uncertain significance. Review status: criteria provided, multiple submitters, no conflicts (2 of 4 stars). 4 submissions from 4 submitters: Uncertain significance (4). Last evaluated 2025-11-05.

Conditions:
Intellectual disability, autosomal dominant 15 (CSS3). Also called: COFFIN-SIRIS SYNDROME 3. Identifiers: Orphanet 1465, MedGen C3553248, MONDO:0013820, OMIM 614608.
Rhabdoid tumor predisposition syndrome 1 (RTPS1). Also called: Familial Posterior Fossa Brain Tumor of Infancy. Identifiers: Orphanet 231108, Orphanet 69077, MedGen C1836327, MONDO:0012252, OMIM 609322.
Hereditary cancer-predisposing syndrome. Also called: Neoplastic Syndromes, Hereditary; Tumor predisposition; Hereditary Cancer Syndrome; Hereditary neoplastic syndrome. Identifiers: Orphanet 140162, MedGen C0027672, MeSH D009386, MONDO:0015356.

Allele frequency attached by ClinVar (database versions not stated): gnomAD exomes below 0.00001; TOPMed below 0.00001; ExAC 0.00001.

Submissions (4):

Labcorp Genetics (formerly Invitae), Labcorp
Classification: Uncertain significance. Last evaluated: 2025-11-05. Review status: criteria provided, single submitter. Criteria: Invitae Variant Classification Sherloc (09022015). Collection method: clinical testing. Allele origin: germline.
Comment: This sequence change replaces methionine, which is neutral and non-polar, with leucine, which is neutral and non-polar, at codon 27 of the SMARCB1 protein (p.Met27Leu). This variant is present in population databases (rs762676176, gnomAD 0.0009%). This variant has not been reported in the literature in individuals affected with SMARCB1-related conditions. ClinVar contains an entry for this variant (Variation ID: 464339). An algorithm developed to predict the effect of missense changes on protein structure and function (PolyPhen-2) suggests that this variant is likely to be tolerated. In summary, the available evidence is currently insufficient to determine the role of this variant in disease. Therefore, it has been classified as a Variant of Uncertain Significance.

Ambry Genetics
Classification: Uncertain significance for Hereditary cancer-predisposing syndrome. Last evaluated: 2025-03-06. Review status: criteria provided, single submitter. Criteria: Ambry Variant Classification Scheme 2023. Collection method: clinical testing. Allele origin: germline.
Comment: The p.M27L variant (also known as c.79A>C), located in coding exon 1 of the SMARCB1 gene, results from an A to C substitution at nucleotide position 79. The methionine at codon 27 is replaced by leucine, an amino acid with highly similar properties. This variant has been detected in multiple individuals with no reported features of Coffin-Siris syndrome (Ambry internal data). This amino acid position is highly conserved in available vertebrate species. In addition, the in silico prediction for this alteration is inconclusive. Based on the supporting evidence, the association of this alteration with SMARCB1-related tumor predisposition syndrome is unknown; however, the association of this alteration with Coffin-Siris syndrome is unlikely.

Baylor Genetics
Classification: Uncertain significance for Rhabdoid tumor predisposition syndrome 1. Last evaluated: 2023-12-15. Review status: criteria provided, single submitter. Criteria: ACMG Guidelines, 2015. Collection method: clinical testing. Allele origin: unknown.

Revvity Omics, Revvity
Classification: Uncertain significance for Intellectual disability, autosomal dominant 15. Last evaluated: 2019-12-13. Review status: criteria provided, single submitter. Criteria: ACMG Guidelines, 2015. Collection method: clinical testing. Allele origin: germline.